The following is an entry in ClinVar:

ClinVar aggregate classification (germline): Pathogenic. Review status: criteria provided, multiple submitters, no conflicts (2 of 4 stars). 10 submissions from 10 submitters: Pathogenic (8). 2 of the submissions do not count toward it. Last evaluated 2025-10-25.

Conditions:
Early-infantile DEE. Also called: Early infantile epileptic encephalopathy; Ohtahara syndrome; Early infantile epileptic encephalopathy with suppression bursts. Identifiers: Orphanet 1934, MedGen C0393706, MONDO:0800491.
SCN8A-related disorder.
Inborn genetic diseases. Identifiers: MedGen C0950123, MeSH D030342.
Developmental and epileptic encephalopathy, 13 (DEE13). Also called: SCN8A-Related Epilepsy; Early infantile epileptic encephalopathy 13; Developmental and Epileptic Encephalopathy (SCN8A-DEE). Identifiers: Orphanet 442835, MedGen C3281191, MONDO:0013801, OMIM 614558.

Submissions (11):

Victorian Clinical Genetics Services, Murdoch Childrens Research Institute
Classification: Pathogenic for Developmental and epileptic encephalopathy, 13. Last evaluated: 2025-10-25. Review status: criteria provided, single submitter. Criteria: ACMG Guidelines, 2015. Collection method: clinical testing. Allele origin: germline. Affected: yes.
Comment: This variant is classified as Pathogenic. Evidence in support of pathogenic classification: Variant is absent from gnomAD (v2, v3 and v4); This variant has strong previous evidence of pathogenicity in unrelated individuals. This variant has been classified as pathogenic by multiple clinical laboratories in ClinVar and reported de novo in multiple individuals with developmental and epileptic encephalopathy (PMIDs: 25725044, 27165006); Missense variant predicted to be damaging by in silico tool(s) or highly conserved with a major amino acid change; Additional information: Variant is predicted to result in a missense amino acid change from Gly to Ser; This variant is heterozygous; This gene is associated with autosomal dominant disease; Variant is located in the annotated ion transport protein domain (DECIPHER); Loss of function and gain of function are known mechanisms of disease in this gene, and are associated with cognitive impairment with or without cerebellar ataxia (MIM#614306) and developmental and epileptic encephalopathy 13 (MIM#614558), respectively. In addition, gain of function is speculated for seizures, benign familial infantile, 5 (MIM#617080) (PMID: 31904124, OMIM)

Labcorp Genetics (formerly Invitae), Labcorp
Classification: Pathogenic for Early-infantile DEE. Last evaluated: 2025-06-17. Review status: criteria provided, single submitter. Criteria: Invitae Variant Classification Sherloc (09022015). Collection method: clinical testing. Allele origin: germline.
Comment: This sequence change replaces glycine, which is neutral and non-polar, with serine, which is neutral and polar, at codon 1451 of the SCN8A protein (p.Gly1451Ser). This variant is not present in population databases (gnomAD no frequency). This missense change has been observed in individual(s) with clinical features of epileptic encephalopathy (PMID: 25725044, 29100083, 31026061). In at least one individual the variant was observed to be de novo. ClinVar contains an entry for this variant (Variation ID: 192318). Invitae Evidence Modeling of protein sequence and biophysical properties (such as structural, functional, and spatial information, amino acid conservation, physicochemical variation, residue mobility, and thermodynamic stability) indicates that this missense variant is expected to disrupt SCN8A protein function with a positive predictive value of 95%. Experimental studies have shown that this missense change affects SCN8A function (PMID: 25725044). For these reasons, this variant has been classified as Pathogenic.

GeneDx
Classification: Pathogenic. Last evaluated: 2025-04-23. Review status: criteria provided, single submitter. Criteria: GeneDx Variant Classification Process June 2021. Collection method: clinical testing. Allele origin: germline. Affected: yes.
Comment: Published functional studies demonstrate a damaging effect, showing a 10-fold decrease in current density compared to wildtype, consistent with a loss of function (PMID: 25725044); Not observed at significant frequency in large population cohorts (gnomAD); In silico analysis supports that this missense variant has a deleterious effect on protein structure/function; This substitution is predicted to be within the transmembrane segment S6 of the third homologous domain; This variant is associated with the following publications: (PMID: 25725044, 32090326, 35325842, 27165006, 33915942, 31887642, 30615093, 32916281, 32845893, 29100083, 34979445, 38113761, 26029160, 38250573, 31026061, 35627257, 26900580, 39556335)

Athena Diagnostics
Classification: Pathogenic. Last evaluated: 2024-12-19. Review status: criteria provided, single submitter. Criteria: Athena Diagnostics Criteria. Collection method: clinical testing. Allele origin: unknown.
Comment: This variant has not been reported in large, multi-ethnic general populations. This variant has been seen in at least one individual with cerebellar ataxia. It was reported in de novo cases with features associated with developmental and epileptic encephalopathy. Assessment of experimental evidence suggests this variant results in abnormal protein function. (PMID: 25725044)

Women's Health and Genetics/Laboratory Corporation of America, LabCorp
Classification: Pathogenic for Developmental and epileptic encephalopathy, 13. Last evaluated: 2023-03-19. Review status: criteria provided, single submitter. Criteria: LabCorp Variant Classification Summary - May 2015. Collection method: clinical testing. Allele origin: germline.
Comment: Variant summary: SCN8A c.4351G>A (p.Gly1451Ser) results in a non-conservative amino acid change located in the Ion transport domain (IPR005821) of the encoded protein sequence. Five of five in-silico tools predict a damaging effect of the variant on protein function. The variant was absent in 249572 control chromosomes. c.4351G>A has been reported in the literature as a recurrent de-novo variant in individuals affected with features of SCN8A-related Epileptic Encephalopathy 13 (example, PMID: 25725044, 31026061, 29100083, 27165006). These data indicate that the variant is likely to be associated with disease. At least one publication reports experimental evidence evaluating an impact on protein function. The most pronounced variant effect results in an apparent loss of channel activity in HEK cell assay in-vitro (PMID: 25725044). Five clinical diagnostic laboratories have submitted clinical-significance assessments for this variant to ClinVar after 2014 without evidence for independent evaluation (Pathogenic, n=4; VUS, n=1). Based on the evidence outlined above, the variant was classified as pathogenic.

Blueprint Genetics
Classification: Pathogenic for SCN8A-related disorders. Last evaluated: 2022-05-04. Review status: criteria provided, single submitter. Criteria: ACMG Guidelines, 2015. Collection method: clinical testing. Allele origin: germline. Affected: yes. Observed: 1 variant allele.

3billion
Classification: Pathogenic for Developmental and epileptic encephalopathy, 13. Last evaluated: 2022-03-22. Review status: criteria provided, single submitter. Criteria: ACMG Guidelines, 2015. Collection method: clinical testing. Allele origin: germline. Affected: yes. Observed: 1 heterozygote.
Comment: The variant has been previously reported as de novo in a similarly affected individual (PMID: 25725044). Functional studies provide strong evidence of the variant having a damaging effect on the gene or gene product (PMID:25725044). In silico tool predictions suggest damaging effect of the variant on gene or gene product (REVEL: 0.96>=0.6, 3CNET: 0.973>=0.75). A missense variant is a common mechanism associated with Developmental and epileptic encephalopathy 13. It is not observed in the gnomAD v2.1.1 dataset. Therefore, this variant is classified as pathogenic according to the recommendation of ACMG/AMP guideline.

Ambry Genetics
Classification: Pathogenic for Inborn genetic diseases. Last evaluated: 2021-02-16. Review status: criteria provided, single submitter. Criteria: Ambry Variant Classification Scheme 2023. Collection method: clinical testing. Allele origin: germline.
Comment: The c.4351G>A (p.G1451S) alteration is located in exon 24 (coding exon 23) of the SCN8A gene. This alteration results from a G to A substitution at nucleotide position 4351, causing the glycine (G) at amino acid position 1451 to be replaced by a serine (S). Based on data from the Genome Aggregation Database (gnomAD), the SCN8A c.4351G>A alteration was not observed, with coverage at this position. This alteration has been reported de novo in multiple unrelated patients with epileptic encephalopathy (Blanchard, 2015; Hamdan, 2017; Denis, 2019). The p.G1451 amino acid is conserved in available vertebrate species. This missense alteration is located in a region that has a low rate of benign missense variation (Lek, 2016; Firth, 2009). Functional analysis demonstrated that the p.G1451S alteration showed decreased current densities (Blanchard, 2015). Using whole-cell patch clamp measurements in HEK293 cells transfected with wildtype or mutated SCN8A cDNA encoding the NaV1.6&alpha; subunit, cells expressing wildtype channels exhibited substantial voltage-evoked currents, while current densities in cells expressing the G1451S mutant were about 10-fold smaller than wildtype-transfected cells which was comparable to those in non-transfected cells. The p.G1451S alteration is predicted to be deleterious by in silico analysis. Based on the available evidence, this alteration is classified as pathogenic.

OMIM
Classification: Pathogenic for DEVELOPMENTAL AND EPILEPTIC ENCEPHALOPATHY 13. Last evaluated: 2015-05-01. Review status: no assertion criteria provided. Collection method: literature only. Allele origin: germline. Not counted in ClinVar's aggregate classification.

Channelopathy-Associated Epilepsy Research Center
No classification provided (evidence only). Condition: Complex neurodevelopmental disorder. Review status: no classification provided. Collection method: literature only. Allele origin: not applicable. Functional consequence: Absence of peak current, Overall loss-of-function effect with respect to biophysical channel activity. Not counted in ClinVar's aggregate classification.
ClinVar note: "not provided" was previously submitted as the classification for the variant. However, the classification appeared to be based only on an observation of functional data so it was converted to no classification on 2025-07-30.

GeneReviews
No classification provided. Condition: Developmental and epileptic encephalopathy, 13. Review status: no classification provided. Collection method: literature only. Allele origin: germline. Affected: yes. Not counted in ClinVar's aggregate classification.

Literature cited by the submitters: PubMed 25725044 (cited by 9 submitters); PubMed 31904124 (cited by Victorian Clinical Genetics Services, Murdoch Childrens Research Institute); PubMed 27165006 (cited by 3 submitters); PubMed 29100083 (cited by 4 submitters); PubMed 31026061 (cited by 4 submitters); PubMed 38250573 (cited by Athena Diagnostics); PubMed 35627257 (cited by Athena Diagnostics); NCBI Bookshelf NBK379665 (cited by GeneReviews).

NM_001330260.2(SCN8A):c.4351G>A (p.Gly1451Ser)

Gene: SCN8A (sodium voltage-gated channel alpha subunit 8; plus strand). Cytogenetic location: 12q13.13.
Variant type: single nucleotide variant.
Coding change: c.4351G>A on transcript NM_001330260.2 (MANE Select); coding-DNA position 4351, G replaced by A.
Protein change: p.Gly1451Ser; replaces glycine 1451 with serine.
Molecular consequence: missense variant.
Genome position (GRCh38, 1-based): chr12:51,789,350, G>A. VCF-style: chr12-51789350-G-A. GRCh37 (hg19) VCF-style: chr12-52183134-G-A.
Other names: c.4228G>A, p.Gly1410Ser (NM_001177984.3, NM_001369788.1); c.4351G>A, p.Gly1451Ser (NM_014191.4); short protein forms G1451S, G1410S.
Identifiers: ClinVar variation 192318 (VCV000192318.23), dbSNP rs863223345, ClinGen allele CA278916.